The following is an entry in ClinVar:

ClinVar aggregate classification (germline): Likely benign (1 of 4 stars; one submission).

Allele frequency attached by ClinVar (database versions not stated): gnomAD 0.00016 and 0.00015; TOPMed 0.00012.

Submissions (2):

GeneDx
Classification: Likely benign. Last evaluated: 2016-05-10. Review status: criteria provided, single submitter. Criteria: GeneDx Variant Classification (06012015). Collection method: clinical testing. Allele origin: germline. Affected: yes.
Comment: This variant is considered likely benign or benign based on one or more of the following criteria: it is a conservative change, it occurs at a poorly conserved position in the protein, it is predicted to be benign by multiple in silico algorithms, and/or has population frequency not consistent with disease.

Dr. Peter K. Rogan Lab, Western University
No classification provided (evidence only). Condition: Ovarian serous cystadenocarcinoma. Review status: no classification provided. Collection method: in vitro. Allele origin: not applicable. Functional consequence: retained intron. Not counted in ClinVar's aggregate classification.

NM_015702.3(MMADHC):c.-55C>G

Genes: MMADHC (metabolism of cobalamin associated D; minus strand), MMADHC-DT (MMADHC divergent transcript; plus strand), LOC126806368 (MED14-independent group 3 enhancer GRCh37_chr2:150443500-150444699; plus strand). Cytogenetic location: 2q23.2.
Variant type: single nucleotide variant.
Coding change: c.-55C>G on transcript NM_015702.3 (MANE Select); 55 bases upstream of the start codon, C replaced by G.
Molecular consequence: 5 prime UTR variant. On other transcripts: non-coding transcript variant (1).
Genome position (GRCh38, 1-based): chr2:149,587,666, G>C on the plus strand (C>G on the coding strand, the complement: MMADHC is on the minus strand). VCF-style: chr2-149587666-G-C. GRCh37 (hg19) VCF-style: chr2-150444180-G-C.
Other names: NC_000002.11:g.150444180G>C.
Identifiers: ClinVar variation 385796 (VCV000385796.2), dbSNP rs988301282, ClinGen allele CA16603926.